The following is an entry in ClinVar:

ClinVar aggregate classification (germline): Uncertain significance. Review status: criteria provided, multiple submitters, no conflicts (2 of 4 stars). 3 submissions from 3 submitters: Uncertain significance (3). Last evaluated 2025-03-01.

Conditions:
Leber congenital amaurosis 6 (LCA6). Identifiers: Orphanet 65, MedGen C1854260, MONDO:0013446, OMIM 613826.
Cone-rod dystrophy 13 (CORD13). Identifiers: Orphanet 1872, MedGen C2750720, MONDO:0011987, OMIM 608194.
Inborn genetic diseases. Identifiers: MedGen C0950123, MeSH D030342.

Allele frequency attached by ClinVar (database versions not stated): TOPMed 0.00006; 1000 Genomes Project 30x 0.00016.

Submissions (3):

Ambry Genetics
Classification: Uncertain significance for Inborn genetic diseases. Last evaluated: 2025-03-01. Review status: criteria provided, single submitter. Criteria: Ambry Variant Classification Scheme 2023. Collection method: clinical testing. Allele origin: germline.

Blueprint Genetics
Classification: Uncertain significance. Last evaluated: 2024-03-18. Review status: criteria provided, single submitter. Criteria: ACMG Guidelines, 2015. Collection method: clinical testing. Allele origin: germline.

Labcorp Genetics (formerly Invitae), Labcorp
Classification: Uncertain significance for Leber congenital amaurosis 6; Cone-rod dystrophy 13. Last evaluated: 2021-09-01. Review status: criteria provided, single submitter. Criteria: Invitae Variant Classification Sherloc (09022015). Collection method: clinical testing. Allele origin: germline.
Comment: This sequence change replaces aspartic acid with asparagine at codon 1150 of the RPGRIP1 protein (p.Asp1150Asn). The aspartic acid residue is moderately conserved and there is a small physicochemical difference between aspartic acid and asparagine. This variant is present in population databases (rs144704092, ExAC 0.009%). This variant has not been reported in the literature in individuals affected with RPGRIP1-related conditions. Algorithms developed to predict the effect of missense changes on protein structure and function (SIFT, PolyPhen-2, Align-GVGD) all suggest that this variant is likely to be tolerated. In summary, the available evidence is currently insufficient to determine the role of this variant in disease. Therefore, it has been classified as a Variant of Uncertain Significance.

NM_020366.4(RPGRIP1):c.3448G>A (p.Asp1150Asn)

Gene: RPGRIP1 (RPGR interacting protein 1; plus strand). Cytogenetic location: 14q11.2.
Variant type: single nucleotide variant.
Coding change: c.3448G>A on transcript NM_020366.4 (MANE Select); coding-DNA position 3448, G replaced by A.
Protein change: p.Asp1150Asn; replaces aspartic acid 1150 with asparagine.
Molecular consequence: missense variant.
Genome position (GRCh38, 1-based): chr14:21,343,144, G>A. VCF-style: chr14-21343144-G-A. GRCh37 (hg19) VCF-style: chr14-21811303-G-A.
Other names: c.1426G>A, p.Asp476Asn (NM_001377523.1, NM_001377950.1); c.2374G>A, p.Asp792Asn (NM_001377948.1); c.1534G>A, p.Asp512Asn (NM_001377949.1); c.931G>A, p.Asp311Asn (NM_001377951.1); short protein forms D476N, D512N, D792N, D1150N, D311N.
Identifiers: ClinVar variation 943292 (VCV000943292.10), dbSNP rs144704092, ClinGen allele CA7089517.
Genomic context (GRCh38, chr14:21,343,144, plus strand): 5'-GAGGCAGAAGTGATGTCTGATGAGAACATAAAACAGGTGTATGTGGAGTACAAATTCTAC[G>A]ACCTACCCTTGTCGGAGACAGAGACTCCAGTGTCCCTAAGGAAGCCTAGGGCAGGAGAAG-3'
Protein context (NP_065099.3, residues 1140-1160): KQVYVEYKFY[Asp1150Asn]LPLSETETPV